The following is an entry in ClinVar:

ClinVar aggregate classification (germline): Uncertain significance (1 of 4 stars; one submission).

Conditions:
Catecholaminergic polymorphic ventricular tachycardia 1. Also called: VENTRICULAR TACHYCARDIA, CATECHOLAMINERGIC POLYMORPHIC, 1, WITH OR WITHOUT ATRIAL DYSFUNCTION AND/OR DILATED CARDIOMYOPATHY; VENTRICULAR TACHYCARDIA, STRESS-INDUCED POLYMORPHIC 1; RYR2-Related Catecholaminergic Polymorphic Ventricular Tachycardia. Identifiers: Orphanet 3286, MedGen C1631597, MONDO:0011484, OMIM 604772.

Submission:

Labcorp Genetics (formerly Invitae), Labcorp
Classification: Uncertain significance for Catecholaminergic polymorphic ventricular tachycardia 1. Last evaluated: 2023-02-02. Review status: criteria provided, single submitter. Criteria: Invitae Variant Classification Sherloc (09022015). Collection method: clinical testing. Allele origin: germline.
Comment: In summary, the available evidence is currently insufficient to determine the role of this variant in disease. Therefore, it has been classified as a Variant of Uncertain Significance. This variant has not been reported in the literature in individuals affected with RYR2-related conditions. This variant is not present in population databases (gnomAD no frequency). This sequence change creates a premature translational stop signal (p.Val574Phefs*6) in the RYR2 gene. It is expected to result in an absent or disrupted protein product. However, the current clinical and genetic evidence is not sufficient to establish whether loss-of-function variants in RYR2 cause disease.

NM_001035.3(RYR2):c.1719del (p.Val574fs)

Gene: RYR2 (ryanodine receptor 2; plus strand). Cytogenetic location: 1q43.
Variant type: Deletion.
Coding change: c.1719del on transcript NM_001035.3 (MANE Select); coding-DNA position 1719, one base deleted (A; older notation c.1719delA).
Protein change: p.Val574fs; shifts the reading frame from valine 574.
Molecular consequence: frameshift variant.
Genome position (GRCh38, 1-based): chr1:237,491,816, A deleted; the last of 2 consecutive A bases (chr1:237,491,815-237,491,816); deleting either gives the same sequence. VCF-style (leftmost placement, unchanged base first): chr1-237491814-GA-G. GRCh37 (hg19) VCF-style: chr1-237655114-GA-G.
Other names: short protein forms V574fs.
Identifiers: ClinVar variation 2833891 (VCV002833891.3), dbSNP rs2529112076, ClinGen allele CA069154.